The following is an entry in ClinVar:

ClinVar aggregate classification (germline): Uncertain significance. Review status: criteria provided, multiple submitters, no conflicts (2 of 4 stars). 2 submissions from 2 submitters: Uncertain significance (2). Last evaluated 2026-09-13.

Conditions:
Hypertrophic cardiomyopathy 26. Also called: Cardiomyopathy, familial hypertrophic, 26. Identifiers: Orphanet 75249, MedGen C4310749, MONDO:0014883, OMIM 617047.
Myofibrillar myopathy 5. Also called: Filaminopathy (type); FILAMINOPATHY, AUTOSOMAL DOMINANT. Identifiers: Orphanet 171445, MedGen C1836050, MONDO:0012289, OMIM 609524.
Distal myopathy with posterior leg and anterior hand involvement. Also called: WILLIAMS DISTAL MYOPATHY. Identifiers: Orphanet 63273, MedGen C3279722, MONDO:0013550, OMIM 614065.
Cardiovascular phenotype. Identifiers: MedGen CN230736.

Submissions (2):

Ambry Genetics
Classification: Uncertain significance for Cardiovascular phenotype. Last evaluated: 2026-09-13. Review status: criteria provided, single submitter. Criteria: Ambry Variant Classification Scheme 2023. Collection method: clinical testing. Allele origin: germline.
Comment: The p.S2636C variant (also known as c.7906A>T), located in coding exon 47 of the FLNC gene, results from an A to T substitution at nucleotide position 7906. The serine at codon 2636 is replaced by cysteine, an amino acid with dissimilar properties. This amino acid position is conserved. In addition, this alteration is predicted to be deleterious by in silico analysis. Based on the available evidence, the clinical significance of this variant remains unclear.

Labcorp Genetics (formerly Invitae), Labcorp
Classification: Uncertain significance for Distal myopathy with posterior leg and anterior hand involvement; Myofibrillar myopathy 5; Hypertrophic cardiomyopathy 26. Last evaluated: 2025-05-13. Review status: criteria provided, single submitter. Criteria: Invitae Variant Classification Sherloc (09022015). Collection method: clinical testing. Allele origin: germline.
Comment: This sequence change replaces serine, which is neutral and polar, with cysteine, which is neutral and slightly polar, at codon 2636 of the FLNC protein (p.Ser2636Cys). This variant is not present in population databases (gnomAD no frequency). This variant has not been reported in the literature in individuals affected with FLNC-related conditions. ClinVar contains an entry for this variant (Variation ID: 568227). Invitae Evidence Modeling of protein sequence and biophysical properties (such as structural, functional, and spatial information, amino acid conservation, physicochemical variation, residue mobility, and thermodynamic stability) indicates that this missense variant is not expected to disrupt FLNC protein function with a negative predictive value of 95%. In summary, the available evidence is currently insufficient to determine the role of this variant in disease. Therefore, it has been classified as a Variant of Uncertain Significance.

NM_001458.5(FLNC):c.7906A>T (p.Ser2636Cys)

Genes: FLNC (filamin C; plus strand), FLNC-AS1 (FLNC antisense RNA 1; minus strand). Cytogenetic location: 7q32.1.
Variant type: single nucleotide variant.
Coding change: c.7906A>T on transcript NM_001458.5 (MANE Select); coding-DNA position 7906, A replaced by T.
Protein change: p.Ser2636Cys; replaces serine 2636 with cysteine.
Molecular consequence: missense variant.
Genome position (GRCh38, 1-based): chr7:128,858,133, A>T. VCF-style: chr7-128858133-A-T. GRCh37 (hg19) VCF-style: chr7-128498187-A-T.
Other names: c.7807A>T, p.Ser2603Cys (NM_001127487.2); short protein forms S2636C, S2603C.
Identifiers: ClinVar variation 568227 (VCV000568227.10), dbSNP rs1563005954, ClinGen allele CA369220417.
Genomic context (GRCh38, chr7:128,858,133, plus strand): 5'-AAGTCCTCCTCAAGCCGGGGCTCCAGCTACAGCTCCATCCCCAAGTTCTCCTCAGATGCC[A>T]GCAAGGTGGTGACTCGGGGCCCTGGGCTGTCCCAGGCCTTCGTGGGCCAGAAGAACTCCT-3'
Protein context (NP_001449.3, residues 2626-2646): SSIPKFSSDA[Ser2636Cys]KVVTRGPGLS